The following is an entry in ClinVar:

ClinVar aggregate classification (germline): Likely benign (0 of 4 stars; one submission).

Conditions:
THSD7A-related disorder. Also called: THSD7A-related condition.

Allele frequency attached by ClinVar (database versions not stated): gnomAD exomes 0.00027; ExAC 0.00031; ESP Exome Variant Server 0.00039; 1000 Genomes Project 30x 0.00109; 1000 Genomes Project 0.00120; gnomAD 0.00121; TOPMed 0.00217.
gnomAD v4.1: 603 of 1,613,728 alleles (0.037%); highest among the groups gnomAD compares: Admixed American, 0.48%; 2 homozygotes.

Submission:

PreventionGenetics, part of Exact Sciences
Classification: Likely benign for THSD7A-related condition. Last evaluated: 2022-12-27. Review status: no assertion criteria provided. Collection method: clinical testing. Allele origin: germline.
Comment: This variant is classified as likely benign based on ACMG/AMP sequence variant interpretation guidelines (Richards et al. 2015 PMID: 25741868, with internal and published modifications).

NM_015204.3(THSD7A):c.1925C>T (p.Thr642Met)

Gene: THSD7A (thrombospondin type 1 domain containing 7A; minus strand). Cytogenetic location: 7p21.3.
Variant type: single nucleotide variant.
Coding change: c.1925C>T on transcript NM_015204.3 (MANE Select); coding-DNA position 1925, C replaced by T.
Protein change: p.Thr642Met; replaces threonine 642 with methionine.
Molecular consequence: missense variant.
Genome position (GRCh38, 1-based): chr7:11,481,880, G>A on the plus strand (C>T on the coding strand, the complement: THSD7A is on the minus strand). VCF-style: chr7-11481880-G-A. GRCh37 (hg19) VCF-style: chr7-11521507-G-A.
Other names: short protein forms T642M.
Identifiers: ClinVar variation 3038867 (VCV003038867.2), dbSNP rs185949384, ClinGen allele CA4164305.